The following is an entry in ClinVar:

NM_153717.3(EVC):c.1212_1216del (p.Glu405fs)

Gene: EVC (EvC ciliary complex subunit 1; plus strand). Cytogenetic location: 4p16.2.
Variant type: Deletion.
Coding change: c.1212_1216del on transcript NM_153717.3 (MANE Select); coding-DNA positions 1212 to 1216, 5 bases deleted (GGAGC; older notation c.1212_1216delGGAGC).
Protein change: p.Glu405fs; shifts the reading frame from glutamic acid 405.
Molecular consequence: frameshift variant.
Genome position (GRCh38, 1-based): chr4:5,752,949-5,752,953, GGAGC deleted. VCF-style (leftmost placement, unchanged base first): chr4-5752948-TGGAGC-T. GRCh37 (hg19) VCF-style: chr4-5754675-TGGAGC-T.
Other names: c.1212_1216del, p.Glu405fs (NM_001306090.2, NM_001306092.2); short protein forms E405fs.
Identifiers: ClinVar variation 1725945 (VCV001725945.2), dbSNP rs2475383552, ClinGen allele CA2580071063.

ClinVar aggregate classification (germline): Likely pathogenic (1 of 4 stars; one submission).

Conditions:
Ellis-van Creveld syndrome (EVC). Also called: EVC-Related Ellis-van Creveld Syndrome; EVC2-Related Ellis-van Creveld Syndrome; MESOECTODERMAL DYSPLASIA; Chondroectodermal dysplasia. Identifiers: Orphanet 289, MedGen C0013903, MONDO:0009162, OMIM 225500.

Submission:

Myriad Genetics, Inc.
Classification: Likely pathogenic for Ellis-van Creveld syndrome. Last evaluated: 2022-04-23. Review status: criteria provided, single submitter. Criteria: Myriad Women's Health Autosomal Recessive and X-Linked Classification Criteria (2021). Collection method: clinical testing. Allele origin: unknown.
Comment: NM_153717.2(EVC):c.1212_1216del5(E405Afs*4) is expected to be pathogenic in the context of EVC-related Ellis-van Creveld syndrome. This variant is predicted to lead to an abnormal or absent protein product due to the creation of a premature termination codon in EVC, a gene where loss-of-function variants are known to be pathogenic. Please note: this variant was assessed in the context of healthy population screening.